The following is an entry in ClinVar:

NM_001347702.2(SYNE1):c.1492G>T (p.Ala498Ser)

Gene: SYNE1 (spectrin repeat containing nuclear envelope protein 1; minus strand). Cytogenetic location: 6q25.2.
Variant type: single nucleotide variant.
Coding change: c.1492G>T on transcript NM_001347702.2 (MANE Plus Clinical); coding-DNA position 1492, G replaced by T.
Protein change: p.Ala498Ser; replaces alanine 498 with serine.
Molecular consequence: missense variant. On other transcripts: intron variant (2).
Genome position (GRCh38, 1-based): chr6:152,145,505, C>A on the plus strand (G>T on the coding strand, the complement: SYNE1 is on the minus strand). VCF-style: chr6-152145505-C-A. GRCh37 (hg19) VCF-style: chr6-152466640-C-A.
Other names: c.24814G>T, p.Ala8272Ser (NM_033071.5); c.24977-1740G>T (NM_182961.4); c.1583-1740G>T (NM_001347701.2); short protein forms A8272S, A498S.
Identifiers: ClinVar variation 1981415 (VCV001981415.21), dbSNP rs768759092, ClinGen allele CA4053021.

ClinVar aggregate classification (germline): Uncertain significance. Review status: criteria provided, multiple submitters, no conflicts (2 of 4 stars). 2 submissions from 2 submitters: Uncertain significance (2). Last evaluated 2024-07-01.

Conditions:
Emery-Dreifuss muscular dystrophy 4, autosomal dominant (EDMD4). Also called: EMERY-DREIFUSS MUSCULAR DYSTROPHY 4 WITH VARIABLE FEATURES. Identifiers: Orphanet 261, MedGen C2751807, MONDO:0013071, OMIM 612998.
Autosomal recessive ataxia, Beauce type. Also called: SYNE1 Deficiency; Spinocerebellar ataxia, autosomal recessive 8; ATAXIA, RECESSIVE, OF BEAUCE; SYNE1-Related Autosomal Recessive Cerebellar Ataxia. Identifiers: Orphanet 88644, MedGen C1853116, MONDO:0012549, OMIM 610743.

Allele frequency attached by ClinVar (database versions not stated): gnomAD exomes below 0.00001; ExAC 0.00002.
gnomAD v4.1: 6 of 1,614,004 alleles (0.00037%); highest among the groups gnomAD compares: Non-Finnish European, 0.00051%; no homozygotes.

Submissions (2):

CeGaT Center for Human Genetics Tuebingen
Classification: Uncertain significance. Last evaluated: 2024-07-01. Review status: criteria provided, single submitter. Criteria: CeGaT Center For Human Genetics Tuebingen Variant Classification Criteria Version 2. Collection method: clinical testing. Allele origin: germline. Affected: yes. Observed: 1 variant allele.
Comment: SYNE1: PM2, BP4

Labcorp Genetics (formerly Invitae), Labcorp
Classification: Uncertain significance for Emery-Dreifuss muscular dystrophy 4, autosomal dominant; Autosomal recessive ataxia, Beauce type. Last evaluated: 2022-01-14. Review status: criteria provided, single submitter. Criteria: Invitae Variant Classification Sherloc (09022015). Collection method: clinical testing. Allele origin: germline.
Comment: In summary, the available evidence is currently insufficient to determine the role of this variant in disease. Therefore, it has been classified as a Variant of Uncertain Significance. Algorithms developed to predict the effect of missense changes on protein structure and function are either unavailable or do not agree on the potential impact of this missense change (SIFT: "Deleterious"; PolyPhen-2: "Benign"; Align-GVGD: "Class C0"). This variant has not been reported in the literature in individuals affected with SYNE1-related conditions. This variant is present in population databases (rs768759092, gnomAD 0.0009%). This sequence change replaces alanine, which is neutral and non-polar, with serine, which is neutral and polar, at codon 8272 of the SYNE1 protein (p.Ala8272Ser).